The following is an entry in ClinVar:

ClinVar aggregate classification (germline): Pathogenic/Likely pathogenic. Review status: criteria provided, multiple submitters, no conflicts (2 of 4 stars). 2 submissions from 2 submitters: Pathogenic (1); Likely pathogenic (1). Last evaluated 2024-05-02.

Conditions:
Hereditary breast ovarian cancer syndrome. Also called: Hereditary breast and ovarian cancer syndrome (HBOC); Breast and ovarian cancer; BRCA1- and BRCA2-Associated Hereditary Breast and Ovarian Cancer; Hereditary breast and ovarian cancer; Hereditary breast and ovarian cancer syndrome; Hereditary breast and/or ovarian cancer syndrome. Identifiers: Orphanet 145, MedGen C0677776, MeSH D061325, MONDO:0003582. Disease mechanism: loss of function.
Familial cancer of breast. Also called: Hereditary breast cancer; BREAST CANCER, FAMILIAL; hereditary breast carcinoma. Identifiers: Orphanet 227535, MedGen C0346153, MONDO:0016419, OMIM 114480. Disease mechanism: loss of function.

Submissions (2):

Labcorp Genetics (formerly Invitae), Labcorp
Classification: Pathogenic for Hereditary breast ovarian cancer syndrome. Last evaluated: 2024-05-02. Review status: criteria provided, single submitter. Criteria: Invitae Variant Classification Sherloc (09022015). Collection method: clinical testing. Allele origin: germline.
Comment: This sequence change creates a premature translational stop signal (p.Gly2837Leufs*27) in the BRCA2 gene. It is expected to result in an absent or disrupted protein product. Loss-of-function variants in BRCA2 are known to be pathogenic (PMID: 20104584). This variant is not present in population databases (gnomAD no frequency). This variant has not been reported in the literature in individuals affected with BRCA2-related conditions. ClinVar contains an entry for this variant (Variation ID: 1382884). For these reasons, this variant has been classified as Pathogenic.

Baylor Genetics
Classification: Likely pathogenic for Familial cancer of breast. Last evaluated: 2022-02-02. Review status: criteria provided, single submitter. Criteria: ACMG Guidelines, 2015. Collection method: clinical testing. Allele origin: unknown.

Literature cited by the submitters: PubMed 20104584 (cited by Labcorp Genetics (formerly Invitae), Labcorp).

NM_000059.4(BRCA2):c.8507_8508dup (p.Gly2837fs)

Gene: BRCA2 (BRCA2 DNA repair associated; plus strand). Cytogenetic location: 13q13.1.
Variant type: Duplication.
Coding change: c.8507_8508dup on transcript NM_000059.4 (MANE Select); coding-DNA positions 8507 to 8508, 2 bases duplicated (CT; older notation c.8507_8508dupCT).
Protein change: p.Gly2837fs; shifts the reading frame from glycine 2837.
Molecular consequence: frameshift variant.
Genome position (GRCh38, 1-based): chr13:32,370,975-32,370,976, CT duplicated; duplicating any 2 consecutive bases within chr13:32,370,974-32,370,976 gives the same sequence; the c. name uses the placement nearest the transcript's 3' end. VCF-style (leftmost placement, unchanged base first): chr13-32370973-A-ATC. GRCh37 (hg19) VCF-style: chr13-32945110-A-ATC.
Other names: short protein forms G2837fs.
Identifiers: ClinVar variation 1382884 (VCV001382884.7), dbSNP rs2137599900, ClinGen allele CA2573149214.